The following is an entry in ClinVar:

NM_001370259.2(MEN1):c.539A>G (p.Asp180Gly)

Gene: MEN1 (menin 1; minus strand). Cytogenetic location: 11q13.1.
Variant type: single nucleotide variant.
Coding change: c.539A>G on transcript NM_001370259.2 (MANE Select); coding-DNA position 539, A replaced by G.
Protein change: p.Asp180Gly; replaces aspartic acid 180 with glycine.
Molecular consequence: missense variant. On other transcripts: non-coding transcript variant (4).
Genome position (GRCh38, 1-based): chr11:64,808,006, T>C on the plus strand (A>G on the coding strand, the complement: MEN1 is on the minus strand). VCF-style: chr11-64808006-T-C. GRCh37 (hg19) VCF-style: chr11-64575478-T-C.
Other names: c.554A>G, p.Asp185Gly (NM_130801.3, NM_130802.3, NM_130803.3 and 5 more transcripts); c.539A>G, p.Asp180Gly (NM_001370251.2, NM_001370260.2, NM_001370261.2 and 12 more transcripts); short protein forms D185G, D180G.
Identifiers: ClinVar variation 3294227 (VCV003294227.1).

ClinVar aggregate classification (germline): Uncertain significance (1 of 4 stars; one submission).

Conditions:
Hereditary cancer-predisposing syndrome. Also called: Tumor predisposition; Hereditary Cancer Syndrome; Hereditary neoplastic syndrome; Neoplastic Syndromes, Hereditary. Identifiers: Orphanet 140162, MedGen C0027672, MeSH D009386, MONDO:0015356.

Submission:

Ambry Genetics
Classification: Uncertain significance for Hereditary cancer-predisposing syndrome. Last evaluated: 2024-06-13. Review status: criteria provided, single submitter. Criteria: Ambry Variant Classification Scheme 2023. Collection method: clinical testing. Allele origin: germline.
Comment: The p.D180G variant (also known as c.539A>G), located in coding exon 2 of the MEN1 gene, results from an A to G substitution at nucleotide position 539. The aspartic acid at codon 180 is replaced by glycine, an amino acid with similar properties. This amino acid position is highly conserved in available vertebrate species. In addition, this alteration is predicted to be deleterious by in silico analysis. Based on the available evidence, the clinical significance of this variant remains unclear.